The following is an entry in ClinVar:

NM_001320.7(CSNK2B):c.501C>T (p.Leu167=)

Gene: CSNK2B (casein kinase 2 beta; plus strand). Cytogenetic location: 6p21.33.
Variant type: single nucleotide variant.
Coding change: c.501C>T on transcript NM_001320.7 (MANE Select); coding-DNA position 501, C replaced by T.
Protein change: p.Leu167=; no amino-acid change (leucine 167 retained).
Molecular consequence: synonymous variant.
Genome position (GRCh38, 1-based): chr6:31,669,452, C>T. VCF-style: chr6-31669452-C-T. GRCh37 (hg19) VCF-style: chr6-31637229-C-T.
Other names: c.492C>T, p.Leu164= (NM_001282385.2).
Identifiers: ClinVar variation 2431474 (VCV002431474.2), dbSNP rs1169432962, ClinGen allele CA449672243.

ClinVar aggregate classification (germline): Uncertain significance (1 of 4 stars; one submission).

Conditions:
Poirier-Bienvenu neurodevelopmental syndrome (POBINDS). Identifiers: Orphanet 689397, MedGen C5231482, MONDO:0032889, OMIM 618732.

Allele frequency attached by ClinVar (database versions not stated): TOPMed below 0.00001.
gnomAD v4.1: 1 of 1,613,750 alleles (0.000062%); highest among the groups gnomAD compares: Non-Finnish European, 0.000085%; no homozygotes.

Submission:

Laboratorio de Genetica e Diagnostico Molecular, Hospital Israelita Albert Einstein
Classification: Uncertain significance for Poirier-Bienvenu neurodevelopmental syndrome. Last evaluated: 2023-02-02. Review status: criteria provided, single submitter. Criteria: ACMG Guidelines, 2015. Collection method: clinical testing. Allele origin: germline. Affected: yes.
Comment: ACMG classification criteria: PM2 moderated